The following is an entry in ClinVar:

ClinVar aggregate classification (germline): Uncertain significance (1 of 4 stars; one submission).

gnomAD v4.1: 9 of 1,611,974 alleles (0.00056%); highest among the groups gnomAD compares: African/African-American, 0.011%; no homozygotes.

Submission:

GeneDx
Classification: Uncertain significance. Last evaluated: 2024-09-10. Review status: criteria provided, single submitter. Criteria: GeneDx Variant Classification Process June 2021. Collection method: clinical testing. Allele origin: germline. Affected: yes.
Comment: Not observed at significant frequency in large population cohorts (gnomAD); In silico analysis indicates that this missense variant does not alter protein structure/function; In silico analysis is inconclusive as to whether the variant alters gene splicing. In the absence of RNA/functional studies, the actual effect of this sequence change is unknown.; Has not been previously published as pathogenic or benign to our knowledge

NM_177550.5(SLC13A5):c.388G>A (p.Gly130Ser)

Gene: SLC13A5 (solute carrier family 13 member 5; minus strand). Cytogenetic location: 17p13.1.
Variant type: single nucleotide variant.
Coding change: c.388G>A on transcript NM_177550.5 (MANE Select); coding-DNA position 388, G replaced by A.
Protein change: p.Gly130Ser; replaces glycine 130 with serine.
Molecular consequence: missense variant. On other transcripts: intron variant (1).
Genome position (GRCh38, 1-based): chr17:6,704,037, C>T on the plus strand (G>A on the coding strand, the complement: SLC13A5 is on the minus strand). VCF-style: chr17-6704037-C-T. GRCh37 (hg19) VCF-style: chr17-6607356-C-T.
Other names: c.388G>A, p.Gly130Ser (NM_001143838.3); c.259G>A, p.Gly87Ser (NM_001284510.2); c.369-32G>A (NM_001284509.2); short protein forms G130S, G87S.
Identifiers: ClinVar variation 3767814 (VCV003767814.1).